The following is an entry in ClinVar:

NM_020964.3(EPG5):c.964A>G (p.Lys322Glu)

Gene: EPG5 (ectopic P-granules 5 autophagy tethering factor; minus strand). Cytogenetic location: 18q21.1.
Variant type: single nucleotide variant.
Coding change: c.964A>G on transcript NM_020964.3 (MANE Select); coding-DNA position 964, A replaced by G.
Protein change: p.Lys322Glu; replaces lysine 322 with glutamic acid.
Molecular consequence: missense variant.
Genome position (GRCh38, 1-based): chr18:45,954,438, T>C on the plus strand (A>G on the coding strand, the complement: EPG5 is on the minus strand). VCF-style: chr18-45954438-T-C. GRCh37 (hg19) VCF-style: chr18-43534404-T-C.
Other names: c.964A>G (NM_020964.2); short protein forms K322E.
Identifiers: ClinVar variation 1497332 (VCV001497332.8), dbSNP rs1294882967, ClinGen allele CA402350581.

ClinVar aggregate classification (germline): Uncertain significance. Review status: criteria provided, multiple submitters, no conflicts (2 of 4 stars). 2 submissions from 2 submitters: Uncertain significance (2). Last evaluated 2022-02-10.

Conditions:
Vici syndrome (VICIS). Identifiers: Orphanet 1493, MedGen C1855772, MONDO:0009452, OMIM 242840.
Inborn genetic diseases. Identifiers: MedGen C0950123, MeSH D030342.

Submissions (2):

Ambry Genetics
Classification: Uncertain significance for Inborn genetic diseases. Last evaluated: 2022-02-10. Review status: criteria provided, single submitter. Criteria: Ambry Variant Classification Scheme 2023. Collection method: clinical testing. Allele origin: germline.

Labcorp Genetics (formerly Invitae), Labcorp
Classification: Uncertain significance for Vici syndrome. Last evaluated: 2021-12-02. Review status: criteria provided, single submitter. Criteria: Invitae Variant Classification Sherloc (09022015). Collection method: clinical testing. Allele origin: germline.
Comment: This sequence change replaces lysine, which is basic and polar, with glutamic acid, which is acidic and polar, at codon 322 of the EPG5 protein (p.Lys322Glu). This variant is not present in population databases (gnomAD no frequency). This variant has not been reported in the literature in individuals affected with EPG5-related conditions. Algorithms developed to predict the effect of missense changes on protein structure and function (SIFT, PolyPhen-2, Align-GVGD) all suggest that this variant is likely to be tolerated. In summary, the available evidence is currently insufficient to determine the role of this variant in disease. Therefore, it has been classified as a Variant of Uncertain Significance.